The following is an entry in ClinVar:

NM_000352.6(ABCC8):c.375C>G (p.His125Gln)

Gene: ABCC8 (ATP binding cassette subfamily C member 8; minus strand). Cytogenetic location: 11p15.1.
Variant type: single nucleotide variant.
Coding change: c.375C>G on transcript NM_000352.6 (MANE Select); coding-DNA position 375, C replaced by G.
Protein change: p.His125Gln; replaces histidine 125 with glutamine.
Molecular consequence: missense variant. On other transcripts: non-coding transcript variant (1).
Genome position (GRCh38, 1-based): chr11:17,470,138, G>C on the plus strand (C>G on the coding strand, the complement: ABCC8 is on the minus strand). VCF-style: chr11-17470138-G-C. GRCh37 (hg19) VCF-style: chr11-17491685-G-C.
Other names: c.375C>G, p.His125Gln (NM_001287174.3, NM_001351295.2, NM_001351296.2 and 1 more transcripts); short protein forms H125Q.
Identifiers: ClinVar variation 393430 (VCV000393430.17), dbSNP rs60637558, ClinGen allele CA5903900.

ClinVar aggregate classification (germline): Conflicting classifications of pathogenicity. Review status: criteria provided, conflicting classifications (1 of 4 stars). 12 submissions from 11 submitters: Likely pathogenic (1); Uncertain significance (11). Last evaluated 2026-05-08.

Conditions:
Leucine-induced hypoglycemia (LIH). Also called: LEUCINE-SENSITIVE HYPOGLYCEMIA OF INFANCY. Identifiers: MedGen C0271714, MONDO:0009415, OMIM 240800.
Diabetes mellitus, permanent neonatal 3. Also called: ABCC8-Related Permanent Neonatal Diabetes Mellitus. Identifiers: MedGen C5394303, MONDO:0030088, OMIM 618857.
Diabetes mellitus, transient neonatal, 2 (TNDM2). Identifiers: Orphanet 99886, MedGen C1835887, MONDO:0012480, OMIM 610374. Disease mechanism: loss of function.
Hyperinsulinemic hypoglycemia, familial, 1 (HHF1). Also called: HYPERINSULINISM, FAMILIAL, WITH PANCREATIC NESIDIOBLASTOSIS; HYPOGLYCEMIA, HYPERINSULINEMIC, OF INFANCY; NESIDIOBLASTOSIS OF PANCREAS; Persistent hyperinsulinemic hypoglycemia of infancy; Persistent Hyperinsulinemia Hypoglycemia of Infancy. Identifiers: Orphanet 276575, Orphanet 276598, MedGen C2931832, MONDO:0009734, OMIM 256450.
Type 2 diabetes mellitus. Also called: Type II diabetes mellitus. Identifiers: MedGen C0011860, MeSH D003924, MONDO:0005148, OMIM 125853, HP:0005978.
Monogenic diabetes. Identifiers: Orphanet 183625, MedGen C3888631, MONDO:0015967.
ABCC8-related disorder.
Permanent neonatal diabetes mellitus (PNDM). Identifiers: Orphanet 99885, MedGen C1833104, MONDO:0100164, MONDO:0011643. Disease mechanism: gain of function.

Allele frequency attached by ClinVar (database versions not stated): gnomAD 0.00007 and 0.00008; ExAC 0.00008; ESP Exome Variant Server 0.00008; gnomAD exomes 0.00009 and 0.00012; TOPMed 0.00009.
gnomAD v4.1: 183 of 1,614,078 alleles (0.011%); highest among the groups gnomAD compares: Middle Eastern, 0.016%; no homozygotes.

Submissions (12):

Myriad Genetics, Inc.
Classification: Uncertain significance for Hyperinsulinemic hypoglycemia, familial, 1. Last evaluated: 2026-05-08. Review status: criteria provided, single submitter. Criteria: Myriad Autosomal Dominant, Autosomal Recessive and X-Linked Classification Criteria (2023). Collection method: clinical testing. Allele origin: unknown.
Comment: NM_000352.3(ABCC8):c.375C>G(H125Q) is a missense variant classified as a variant of uncertain significance in the context of familial hyperinsulinism, ABCC8-related. H125Q has been observed in cases with relevant disease (PMID: 27754802, 36239000, 23345197). Relevant functional assessments of this variant are available in the literature (PMID: 9648840). H125Q has been observed in referenced population frequency databases. In summary, there is insufficient evidence to classify NM_000352.3(ABCC8):c.375C>G(H125Q) as pathogenic or benign. Please note: this variant was assessed in the context of healthy population screening.

PreventionGenetics, part of Exact Sciences
Classification: Uncertain significance for ABCC8-related condition. Last evaluated: 2026-02-13. Review status: criteria provided, single submitter. Criteria: ACMG Guidelines, 2015. Collection method: clinical testing. Allele origin: germline.
Comment: The ABCC8 c.375C>G variant is predicted to result in the amino acid substitution p.His125Gln. This variant has been reported in a compound heterozygous state with a pathogenic ABCC8 variant (p.Phe1387del, reported as ∆F1388) in a patient with mild CHI (Nestorowicz et al., 1998. PubMed ID: 9618169; Table 1 at Shyng et al., 1998. PubMed ID: 9648840). Functional analysis in Shyng et al. study suggested the p.His125Gln change generated functional channels in the absence of ATP and its response to stimulation by MgADP or diazoxide was not significant. This variant is reported in 0.077% of alleles in individuals of Ashkenazi Jewish descent in gnomAD. Although we suspect that this variant may be pathogenic, at this time, the clinical significance of this variant is uncertain due to the absence of conclusive functional and genetic evidence.

3billion
Classification: Uncertain significance for Hyperinsulinemic hypoglycemia, familial, 1. Last evaluated: 2026-01-16. Review status: criteria provided, single submitter. Criteria: ACMG Guidelines, 2015. Collection method: clinical testing. Allele origin: germline. Affected: yes.
Comment: The variant is observed at an extremely low frequency in the gnomAD v4.1.0 dataset (total allele frequency: 0.011%). Predicted Consequence/Location: Missense variant In silico tool predictions suggest damaging effect of the variant on gene or gene product [REVEL: 0.89 (>=0.6, sensitivity 0.68 and specificity 0.92); 3Cnet: 0.19 (> 0.75, sensitivity 0.96 and precision 0.92)]. The same nucleotide change resulting in the same amino acid change has been previously reported to be associated with ABCC8-related disorder (PMID: 9618169). However, the evidence of pathogenicity is insufficient at this time (ClinVar: VCV000393430) Therefore, this variant is classified as VUS according to the recommendation of ACMG/AMP guideline.

Labcorp Genetics (formerly Invitae), Labcorp
Classification: Likely pathogenic. Last evaluated: 2025-05-27. Review status: criteria provided, single submitter. Criteria: Invitae Variant Classification Sherloc (09022015). Collection method: clinical testing. Allele origin: germline.
Comment: This sequence change replaces histidine, which is basic and polar, with glutamine, which is neutral and polar, at codon 125 of the ABCC8 protein (p.His125Gln). This variant is present in population databases (rs60637558, gnomAD 0.09%). This missense change has been observed in individuals with ABCC8-related conditions and/or autosomal recessive familial hyperinsulinism (PMID: 9618169, 23345197, 29207974, 36239000). ClinVar contains an entry for this variant (Variation ID: 393430). Invitae Evidence Modeling of protein sequence and biophysical properties (such as structural, functional, and spatial information, amino acid conservation, physicochemical variation, residue mobility, and thermodynamic stability) indicates that this missense variant is expected to disrupt ABCC8 protein function with a positive predictive value of 95%. Experimental studies are conflicting or provide insufficient evidence to determine the effect of this variant on ABCC8 function (PMID: 9648840). In summary, the currently available evidence indicates that the variant is pathogenic, but additional data are needed to prove that conclusively. Therefore, this variant has been classified as Likely Pathogenic.

Women's Health and Genetics/Laboratory Corporation of America, LabCorp
Classification: Uncertain significance. Last evaluated: 2025-05-21. Review status: criteria provided, single submitter. Criteria: LabCorp Variant Classification Summary - May 2015. Collection method: clinical testing. Allele origin: germline.
Comment: Variant summary: ABCC8 c.375C>G (p.His125Gln) results in a non-conservative amino acid change in the encoded protein sequence. Algorithms developed to predict the effect of missense changes on protein structure and function all suggest that this variant is likely to be disruptive. The variant allele was found at a frequency of 8.7e-05 in 251620 control chromosomes. This frequency is not significantly higher than estimated for a pathogenic variant in ABCC8 causing Congenital Hyperinsulinism (8.7e-05 vs 0.0034), allowing no conclusion about variant significance. c.375C>G has been observed in individual(s) affected with Congenital Hyperinsulinism or monogenic diabetes (Nestorowicz_1998, Shyng_2998, Kapoor_2013, Bansal_2017, Kim_2020, Hopkins_2023). These data indicate that the variant may be associated with disease. At least one publication reports experimental evidence evaluating an impact on protein function and showed that this variant affects macroscopic channel activity in intact cells and channel activity in the absence of ATP. However, this variant does not affect the channel activity response to ATP significantly (Shyng_1998). The following publications have been ascertained in the context of this evaluation (PMID: 29207974, 36239000, 23345197, 32640185, 9618169, 9648840). ClinVar contains an entry for this variant (Variation ID: 393430). Based on the evidence outlined above, the variant was classified as VUS-possibly pathogenic.

Fulgent Genetics
Classification: Uncertain significance for Type 2 diabetes mellitus; Leucine-induced hypoglycemia; Hyperinsulinemic hypoglycemia, familial, 1; Diabetes mellitus, transient neonatal, 2; Diabetes mellitus, permanent neonatal 3. Last evaluated: 2024-05-31. Review status: criteria provided, single submitter. Criteria: ACMG Guidelines, 2015. Collection method: clinical testing. Allele origin: germline.

Baylor Genetics
Classification: Uncertain significance for Type 2 diabetes mellitus. Last evaluated: 2023-12-05. Review status: criteria provided, single submitter. Criteria: ACMG Guidelines, 2015. Collection method: clinical testing. Allele origin: unknown.

New York Genome Center
Classification: Uncertain significance for Type 2 diabetes mellitus; Hyperinsulinemic hypoglycemia, familial, 1. Last evaluated: 2022-02-23. Review status: criteria provided, single submitter. Criteria: NYGC Assertion Criteria 2020. Collection method: clinical testing. Allele origin: germline. Observed: 1 heterozygote.

Athena Diagnostics
Classification: Uncertain significance. Last evaluated: 2018-06-28. Review status: criteria provided, single submitter. Criteria: Athena Diagnostics Criteria. Collection method: clinical testing. Allele origin: germline.

Illumina Laboratory Services, Illumina
Classification: Uncertain significance for Permanent neonatal diabetes mellitus 1. Last evaluated: 2018-01-13. Review status: criteria provided, single submitter. Criteria: ICSL Variant Classification Criteria 13 December 2019. Collection method: clinical testing. Allele origin: germline.

Illumina Laboratory Services, Illumina
Classification: Uncertain significance for Hyperinsulinemic hypoglycemia, familial, 1. Last evaluated: 2018-01-13. Review status: criteria provided, single submitter. Criteria: ICSL Variant Classification Criteria 13 December 2019. Collection method: clinical testing. Allele origin: germline.

Personalized Diabetes Medicine Program, University of Maryland School of Medicine
Classification: Uncertain significance for Monogenic diabetes. Last evaluated: 2016-09-23. Review status: criteria provided, single submitter. Criteria: ACMG Guidelines, 2015. Collection method: research. Allele origin: unknown. Observed: 1 variant allele, 1 heterozygote. Study: Personalized Diabetes Medicine Program.
Comment: ACMG Criteria:PP3, PS3 (Shyng et al performed functional analysis in PMID 9648840), Nestorowicz et al describes in single hyperinsulinemic patient PMID 9618169

Literature cited by the submitters: PubMed 23345197 (cited by 3 submitters); PubMed 27754802 (cited by Myriad Genetics, Inc.); PubMed 36239000 (cited by 3 submitters); PubMed 9648840 (cited by 5 submitters); PubMed 9618169 (cited by 5 submitters); PubMed 29207974 (cited by 3 submitters); PubMed 32640185 (cited by Women's Health and Genetics/Laboratory Corporation of America, LabCorp).